The following is an entry in ClinVar:

NM_000238.4(KCNH2):c.3196C>G (p.Leu1066Val)

Gene: KCNH2 (potassium voltage-gated channel subfamily H member 2; minus strand). Cytogenetic location: 7q36.1.
Variant type: single nucleotide variant.
Coding change: c.3196C>G on transcript NM_000238.4 (MANE Select); coding-DNA position 3196, C replaced by G.
Protein change: p.Leu1066Val; replaces leucine 1066 with valine.
Molecular consequence: missense variant.
Genome position (GRCh38, 1-based): chr7:150,947,011, G>C on the plus strand (C>G on the coding strand, the complement: KCNH2 is on the minus strand). VCF-style: chr7-150947011-G-C. GRCh37 (hg19) VCF-style: chr7-150644099-G-C.
Other names: c.3196C>G (LRG_288t1); c.2176C>G, p.Leu726Val (NM_172057.3); short protein forms L1066V, L726V.
Identifiers: ClinVar variation 67479 (VCV000067479.4), dbSNP rs199473027, ClinGen allele CA008093.
Genomic context (GRCh38, chr7:150,947,011, plus strand): 5'-GCCCCGGGGTGGTCACAGCACTGTAGGCGGGCGGGACCAGCGTCATCTGCCTCTGTAGCA[G>C]CTGCAGGACAGTGGCCATGTCTGCACTCAGCCGGGTCTCCAGCCTGGGGCAGGAAGTGGG-3'
Protein context (NP_000229.1, residues 1056-1076): LSADMATVLQ[Leu1066Val]LQRQMTLVPP

ClinVar aggregate classification (germline): Uncertain significance. Review status: criteria provided, single submitter (1 of 4 stars). 2 submissions from 2 submitters: Uncertain significance (1). 1 of the submissions does not count toward it. Last evaluated 2023-06-25.

Conditions:
Familial long QT syndrome (RWS). Also called: Congenital long QT syndrome; Romano-Ward syndrome; VENTRICULAR FIBRILLATION WITH PROLONGED QT INTERVAL. Identifiers: Orphanet 768, MedGen C1141890, MONDO:0019171.
Long QT syndrome (LQTS). Identifiers: MedGen C0023976, MeSH D008133, MONDO:0002442. Disease mechanism: loss of function. Inheritance: Various modes of inheritance.

Submissions (2):

Labcorp Genetics (formerly Invitae), Labcorp
Classification: Uncertain significance for Long QT syndrome. Last evaluated: 2023-06-25. Review status: criteria provided, single submitter. Criteria: Invitae Variant Classification Sherloc (09022015). Collection method: clinical testing. Allele origin: germline.
Comment: In summary, the available evidence is currently insufficient to determine the role of this variant in disease. Therefore, it has been classified as a Variant of Uncertain Significance. Algorithms developed to predict the effect of sequence changes on RNA splicing suggest that this variant may create or strengthen a splice site. Experimental studies have shown that this missense change affects KCNH2 function (PMID: 25417810). An algorithm developed to predict the effect of missense changes on protein structure and function (PolyPhen-2) suggests that this variant is likely to be disruptive. ClinVar contains an entry for this variant (Variation ID: 67479). This missense change has been observed in individual(s) with long QT syndrome (PMID: 22949429). This variant is not present in population databases (gnomAD no frequency). This sequence change replaces leucine, which is neutral and non-polar, with valine, which is neutral and non-polar, at codon 1066 of the KCNH2 protein (p.Leu1066Val).

Cardiovascular Biomedical Research Unit, Royal Brompton & Harefield NHS Foundation Trust
No classification provided. Condition: Familial long QT syndrome. Review status: no classification provided. Collection method: literature only. Allele origin: germline. Not counted in ClinVar's aggregate classification.
Comment: This variant has been reported as associated with Long QT syndrome in the following publications (PMID:19716085;PMID:19841300). This is a literature report, and does not necessarily reflect the clinical interpretation of the Imperial College / Royal Brompton Cardiovascular Genetics laboratory.

Literature cited by the submitters: PubMed 25417810 (cited by Labcorp Genetics (formerly Invitae), Labcorp); PubMed 22949429 (cited by Labcorp Genetics (formerly Invitae), Labcorp); PubMed 19716085 (cited by Cardiovascular Biomedical Research Unit, Royal Brompton & Harefield NHS Foundation Trust); PubMed 19841300 (cited by Cardiovascular Biomedical Research Unit, Royal Brompton & Harefield NHS Foundation Trust); PubMed 22581653 (cited by Cardiovascular Biomedical Research Unit, Royal Brompton & Harefield NHS Foundation Trust).